The following is an entry in ClinVar:

NM_172107.4(KCNQ2):c.2194C>A (p.Pro732Thr)

Gene: KCNQ2 (potassium voltage-gated channel subfamily Q member 2; minus strand). Cytogenetic location: 20q13.33.
Variant type: single nucleotide variant.
Coding change: c.2194C>A on transcript NM_172107.4 (MANE Select); coding-DNA position 2194, C replaced by A.
Protein change: p.Pro732Thr; replaces proline 732 with threonine.
Molecular consequence: missense variant.
Genome position (GRCh38, 1-based): chr20:63,407,069, G>T on the plus strand (C>A on the coding strand, the complement: KCNQ2 is on the minus strand). VCF-style: chr20-63407069-G-T. GRCh37 (hg19) VCF-style: chr20-62038422-G-T.
Other names: c.2248C>A, p.Pro750Thr (NM_001382235.1); c.2110C>A, p.Pro704Thr (NM_004518.6); c.2140C>A, p.Pro714Thr (NM_172106.3); c.2101C>A, p.Pro701Thr (NM_172108.5); short protein forms P701T, P704T, P714T, P732T, P750T.
Identifiers: ClinVar variation 3769752 (VCV003769752.1).
Genomic context (GRCh38, chr20:63,407,069, plus strand): 5'-GCGACCGCTCGTGGGCAGGCGGCGGCGGGATGCGCACCAGGGAGCCGTGGTCCCCCACGG[G>T]GGAGGTGCCGTGGCCCTGGCGCGGGTGGCTCTGTGGCTGCCAGGAGGTGGAGGGCGGACA-3'
Protein context (NP_742105.1, residues 722-742): SHPRQGHGTS[Pro732Thr]VGDHGSLVRI

ClinVar aggregate classification (germline): Uncertain significance (1 of 4 stars; one submission).

gnomAD v4.1: 2 of 1,526,428 alleles (0.00013%); highest among the groups gnomAD compares: South Asian, 0.0012%; no homozygotes.

Submission:

GeneDx
Classification: Uncertain significance. Last evaluated: 2024-09-15. Review status: criteria provided, single submitter. Criteria: GeneDx Variant Classification Process June 2021. Collection method: clinical testing. Allele origin: germline. Affected: yes.
Comment: In silico analysis supports that this missense variant has a deleterious effect on protein structure/function; Has not been previously published as pathogenic or benign to our knowledge; This substitution is predicted to be within the C-terminal cytoplasmic domain